The following is an entry in ClinVar:

ClinVar aggregate classification (germline): Uncertain significance. Review status: criteria provided, multiple submitters, no conflicts (2 of 4 stars). 2 submissions from 2 submitters: Uncertain significance (2). Last evaluated 2025-09-10.

Conditions:
Cystic fibrosis (CF). Also called: MUCOVISCIDOSIS. Identifiers: Orphanet 586, MedGen C0010674, MONDO:0009061, OMIM 219700. Disease mechanism: loss of function.

gnomAD v4.1: 4 of 1,591,038 alleles (0.00025%); highest among the groups gnomAD compares: Non-Finnish European, 0.00034%; no homozygotes.

Submissions (2):

Labcorp Genetics (formerly Invitae), Labcorp
Classification: Uncertain significance for Cystic fibrosis. Last evaluated: 2025-09-10. Review status: criteria provided, single submitter. Criteria: Invitae Variant Classification Sherloc (09022015). Collection method: clinical testing. Allele origin: germline.
Comment: This sequence change replaces alanine, which is neutral and non-polar, with threonine, which is neutral and polar, at codon 252 of the CFTR protein (p.Ala252Thr). This variant is not present in population databases (gnomAD no frequency). This variant has not been reported in the literature in individuals affected with CFTR-related conditions. ClinVar contains an entry for this variant (Variation ID: 1415058). Invitae Evidence Modeling of protein sequence and biophysical properties (such as structural, functional, and spatial information, amino acid conservation, physicochemical variation, residue mobility, and thermodynamic stability) indicates that this missense variant is not expected to disrupt CFTR protein function with a negative predictive value of 80%. Experimental studies are conflicting or provide insufficient evidence to determine the effect of this variant on CFTR function (PMID: 36552859). In summary, the available evidence is currently insufficient to determine the role of this variant in disease. Therefore, it has been classified as a Variant of Uncertain Significance.

Ambry Genetics
Classification: Uncertain significance for Cystic fibrosis. Last evaluated: 2025-06-13. Review status: criteria provided, single submitter. Criteria: Ambry Variant Classification Scheme 2023. Collection method: clinical testing. Allele origin: germline.
Comment: The p.A252T variant (also known as c.754G>A), located in coding exon 7 of the CFTR gene, results from a G to A substitution at nucleotide position 754. The alanine at codon 252 is replaced by threonine, an amino acid with similar properties. This amino acid position is well conserved in available vertebrate species. In addition, the in silico prediction for this alteration is inconclusive. Based on the available evidence, the clinical significance of this variant remains unclear.

Literature cited by the submitters: PubMed 36552859 (cited by Labcorp Genetics (formerly Invitae), Labcorp).

NM_000492.4(CFTR):c.754G>A (p.Ala252Thr)

Gene: CFTR (CF transmembrane conductance regulator; plus strand). Cytogenetic location: 7q31.2.
Variant type: single nucleotide variant.
Coding change: c.754G>A on transcript NM_000492.4 (MANE Select); coding-DNA position 754, G replaced by A.
Protein change: p.Ala252Thr; replaces alanine 252 with threonine.
Molecular consequence: missense variant.
Genome position (GRCh38, 1-based): chr7:117,536,558, G>A. VCF-style: chr7-117536558-G-A. GRCh37 (hg19) VCF-style: chr7-117176612-G-A.
Other names: c.754G>A (NM_000492.3); short protein forms A252T.
Identifiers: ClinVar variation 1415058 (VCV001415058.8), dbSNP rs748582435, ClinGen allele CA368977338.